The following is an entry in ClinVar:

ClinVar aggregate classification (germline): Pathogenic. Review status: criteria provided, single submitter (1 of 4 stars). 2 submissions from 2 submitters: Pathogenic (1). 1 of the submissions does not count toward it. Last evaluated 2023-07-17.

Conditions:
Long chain 3-hydroxyacyl-CoA dehydrogenase deficiency. Also called: LCHAD Deficiency; Deficiency of long-chain 3-hydroxyacyl-coenzyme A dehydrogenase. Identifiers: Orphanet 5, MedGen C3711645, MONDO:0012173, OMIM 609016.

Allele frequency attached by ClinVar (database versions not stated): gnomAD exomes below 0.00001.
gnomAD v4.1: 2 of 1,490,740 alleles (0.00013%); highest among the groups gnomAD compares: Non-Finnish European, 0.00019%; no homozygotes.

Submissions (2):

Victorian Clinical Genetics Services, Murdoch Childrens Research Institute
Classification: Pathogenic for Long chain 3-hydroxyacyl-CoA dehydrogenase deficiency. Last evaluated: 2023-07-17. Review status: criteria provided, single submitter. Criteria: ACMG Guidelines, 2015. Collection method: clinical testing. Allele origin: germline. Inheritance: Autosomal recessive inheritance. Affected: yes.
Comment: Based on the classification scheme VCGS_Germline_v1.3.4, this variant is classified as Pathogenic. Following criteria are met: 0102 - Loss of function is a known mechanism of disease in this gene and is associated with LCHAD deficiency, (MIM#609016, MONDO:0012173) and mitochondrial trifunctional protein (TFP) deficiency (MIM#609015). (I) 0106 - This gene is associated with autosomal recessive disease. There is currently no genotype-phenotype correlation distinguishing LCHAD and TFP deficiency. (I) 0211 - Canonical splice site variant without proven consequence on splicing (no functional evidence available). (SP) 0252 - This variant is homozygous. (I) 0301 - Variant is absent from gnomAD (both v2 and v3). (SP) 0505 - Abnormal splicing is predicted by in silico tools and affected nucleotide is highly conserved. (SP) 0705 - No comparable splice site variants have previous evidence for pathogenicity. (I) 0803 - This variant has limited previous evidence of pathogenicity in an unrelated individual. This variant has been classified as likely pathogenic by a clinical laboratory in ClinVar. (SP) 0905 - No published segregation evidence has been identified for this variant. (I) 1007 - No published functional evidence has been identified for this variant. (I) 1101 - Very strong and specific phenotype match for this individual. (SP) 1208 - Inheritance information for this variant is not currently available in this individual. (I) Legend: (SP) - Supporting pathogenic, (I) - Information, (SB) - Supporting benign

Counsyl
Classification: Likely pathogenic for Long chain 3-hydroxyacyl-CoA dehydrogenase deficiency. Last evaluated: 2017-01-16. Review status: no assertion criteria provided. Collection method: clinical testing. Allele origin: unknown. Not counted in ClinVar's aggregate classification.

NM_000182.5(HADHA):c.800-1G>T

Gene: HADHA (hydroxyacyl-CoA dehydrogenase trifunctional multienzyme complex subunit alpha; minus strand). Cytogenetic location: 2p23.3.
Variant type: single nucleotide variant.
Coding change: c.800-1G>T on transcript NM_000182.5 (MANE Select); the canonical splice acceptor site of the intron before coding-DNA position 800, G replaced by T.
Molecular consequence: splice acceptor variant.
Genome position (GRCh38, 1-based): chr2:26,214,562, C>A on the plus strand (G>T on the coding strand, the complement: HADHA is on the minus strand). VCF-style: chr2-26214562-C-A. GRCh37 (hg19) VCF-style: chr2-26437431-C-A.
Identifiers: ClinVar variation 550378 (VCV000550378.3), dbSNP rs1553314024, ClinGen allele CA346091432.